The following is an entry in ClinVar:

NM_005251.3(FOXC2):c.771G>A (p.Pro257=)

Gene: FOXC2 (forkhead box C2; plus strand). Cytogenetic location: 16q24.1.
Variant type: single nucleotide variant.
Coding change: c.771G>A on transcript NM_005251.3 (MANE Select); coding-DNA position 771, G replaced by A.
Protein change: p.Pro257=; no amino-acid change (proline 257 retained).
Molecular consequence: synonymous variant.
Genome position (GRCh38, 1-based): chr16:86,568,106, G>A. VCF-style: chr16-86568106-G-A. GRCh37 (hg19) VCF-style: chr16-86601712-G-A.
Identifiers: ClinVar variation 3681785 (VCV003681785.2).

ClinVar aggregate classification (germline): Uncertain significance (1 of 4 stars; one submission).

gnomAD v4.1: 4 of 1,372,166 alleles (0.00029%); highest among the groups gnomAD compares: Middle Eastern, 0.023%; no homozygotes.

Submission:

Labcorp Genetics (formerly Invitae), Labcorp
Classification: Uncertain significance. Last evaluated: 2025-01-29. Review status: criteria provided, single submitter. Criteria: Invitae Variant Classification Sherloc (09022015). Collection method: clinical testing. Allele origin: germline.
Comment: This sequence change affects codon 257 of the FOXC2 mRNA. It is a 'silent' change, meaning that it does not change the encoded amino acid sequence of the FOXC2 protein. The frequency data for this variant in the population databases is considered unreliable, as metrics indicate poor data quality at this position in the gnomAD database. This variant has not been reported in the literature in individuals affected with FOXC2-related conditions. In summary, the available evidence is currently insufficient to determine the role of this variant in disease. Therefore, it has been classified as a Variant of Uncertain Significance.